The following is an entry in ClinVar:

ClinVar aggregate classification (germline): Uncertain significance (1 of 4 stars; one submission).

Conditions:
Hyperaldosteronism, familial, type IV (HALD4). Also called: FH IV; ALDOSTERONISM, PRIMARY, AND HYPERTENSION. Identifiers: Orphanet 642671, MedGen C4310756, MONDO:0014875, OMIM 617027.
Idiopathic generalized epilepsy. Also called: Generalised epilepsy; EIG. Identifiers: MedGen C0270850, MONDO:0005579, OMIM 600669.

Allele frequency attached by ClinVar (database versions not stated): ExAC 0.00001; gnomAD exomes 0.00001; TOPMed 0.00002; gnomAD 0.00003.
gnomAD v4.1: 21 of 1,602,944 alleles (0.0013%); highest among the groups gnomAD compares: Admixed American, 0.0017%; no homozygotes.

Submission:

Labcorp Genetics (formerly Invitae), Labcorp
Classification: Uncertain significance for Idiopathic generalized epilepsy; Hyperaldosteronism, familial, type IV. Last evaluated: 2021-08-23. Review status: criteria provided, single submitter. Criteria: Invitae Variant Classification Sherloc (09022015). Collection method: clinical testing. Allele origin: germline.
Comment: This sequence change replaces histidine with leucine at codon 1357 of the CACNA1H protein (p.His1357Leu). The histidine residue is weakly conserved and there is a moderate physicochemical difference between histidine and leucine. This variant is present in population databases (rs775971172, ExAC 0.002%). This variant has not been reported in the literature in individuals with CACNA1H-related disease. ClinVar contains an entry for this variant (Variation ID: 529589). Algorithms developed to predict the effect of missense changes on protein structure and function are either unavailable or do not agree on the potential impact of this missense change (SIFT: "Deleterious"; PolyPhen-2: "Benign"; Align-GVGD: "Class C0"). In summary, the available evidence is currently insufficient to determine the role of this variant in disease. Therefore, it has been classified as a Variant of Uncertain Significance.

NM_021098.3(CACNA1H):c.4070A>T (p.His1357Leu)

Gene: CACNA1H (calcium voltage-gated channel subunit alpha1 H; plus strand). Cytogenetic location: 16p13.3.
Variant type: single nucleotide variant.
Coding change: c.4070A>T on transcript NM_021098.3 (MANE Select); coding-DNA position 4070, A replaced by T.
Protein change: p.His1357Leu; replaces histidine 1357 with leucine.
Molecular consequence: missense variant.
Genome position (GRCh38, 1-based): chr16:1,210,818, A>T. VCF-style: chr16-1210818-A-T. GRCh37 (hg19) VCF-style: chr16-1260818-A-T.
Other names: c.4070A>T, p.His1357Leu (NM_001005407.2); short protein forms H1357L.
Identifiers: ClinVar variation 529589 (VCV000529589.11), dbSNP rs775971172, ClinGen allele CA7801139.